The following is an entry in ClinVar:

ClinVar aggregate classification (germline): Likely pathogenic (1 of 4 stars; one submission).

Conditions:
Intellectual developmental disorder, autosomal dominant 39. Also called: Mental retardation, autosomal dominant 39; Intellectual disability, autosomal dominant 39. Identifiers: MedGen C4225296, MONDO:0014678, OMIM 616521.

Submission:

New York Genome Center
Classification: Likely pathogenic for Intellectual developmental disorder, autosomal dominant 39. Last evaluated: 2025-07-28. Review status: criteria provided, single submitter. Criteria: NYGC Assertion Criteria 2020. Collection method: clinical testing. Allele origin: de novo. Observed: 1 variant allele, 1 heterozygote.
Comment: The de novo c.55+1G>A variant identified in the MYT1L gene is the canonical splice donor for exon 6 (of 25), which is the first coding exon of MYT1L and contains the canonical start p.Met1 amino acid. Splicing algorithm SpliceAI suggests that this variant leads to the loss of the canonical splice donor (delta score:0.95) and either a gain of a new splice donor 63 nucleotides downstream within the MYT1L transcript (delta score: 0.54) or the loss of the canonical exon 6 acceptor resulting in the loss of exon 6 (delta score: 0.26). Gain of a new splice donor is predicted to lead to an out of frame consequence, and loss of exon 6 is predicted to remove the canonical p.Met1 translational start codon, both of which are predicted to lead to loss of function via nonsense mediated decay or loss of downstream protein sequences. Many nonsense and frameshift variants have been reported in exon 6 and downstream in affected individuals in the literature [PMID:34748075, 32065501]. This variant is absent from gnomADv4.1 and All of Us databases suggesting it is not a common benign variant in the populations represented in those databases. Given its predicted loss of function consequence and absence in population databases, the de novo c.55+1G>A variant identified in the MYT1L gene is reported as Likely Pathogenic.

NM_001303052.2(MYT1L):c.55+1G>A

Gene: MYT1L (myelin transcription factor 1 like; minus strand). Cytogenetic location: 2p25.3.
Variant type: single nucleotide variant.
Coding change: c.55+1G>A on transcript NM_001303052.2 (MANE Select); the canonical splice donor site of the intron after coding-DNA position 55, G replaced by A.
Molecular consequence: splice donor variant.
Genome position (GRCh38, 1-based): chr2:1,979,722, C>T on the plus strand (G>A on the coding strand, the complement: MYT1L is on the minus strand). VCF-style: chr2-1979722-C-T. GRCh37 (hg19) VCF-style: chr2-1983494-C-T.
Other names: c.55+1G>A (NM_001329851.3, NM_001329846.3, NM_001329852.3 and 6 more transcripts).
Identifiers: ClinVar variation 4888318 (VCV004888318.1).